The following is an entry in ClinVar:

ClinVar aggregate classification (germline): Likely benign. Review status: criteria provided, multiple submitters, no conflicts (2 of 4 stars). 7 submissions from 6 submitters: Likely benign (5). 2 of the submissions do not count toward it. Last evaluated 2025-03-12.

Conditions:
Retinal dystrophy. Also called: Inherited retinal dystrophy. Identifiers: Orphanet 71862, MedGen C0854723, MeSH D058499, MONDO:0019118, HP:0000556.
Usher syndrome type 2A. Also called: USHER SYNDROME, TYPE IIA; RETINAL DISEASE IN USHER SYNDROME TYPE IIA, MODIFIER OF. Identifiers: Orphanet 231178, Orphanet 886, MedGen C1848634, MONDO:0010169, OMIM 276901.
Retinitis pigmentosa 39 (RP39). Identifiers: Orphanet 791, MedGen C3151138, MONDO:0013436, OMIM 613809.

Allele frequency attached by ClinVar (database versions not stated): ExAC 0.00001; gnomAD 0.00001; TOPMed 0.00001; gnomAD exomes 0.00002.
gnomAD v4.1: 21 of 1,613,250 alleles (0.0013%); highest among the groups gnomAD compares: African/African-American, 0.0054%; no homozygotes.

Submissions (7):

Labcorp Genetics (formerly Invitae), Labcorp
Classification: Likely benign. Last evaluated: 2025-03-12. Review status: criteria provided, single submitter. Criteria: Invitae Variant Classification Sherloc (09022015). Collection method: clinical testing. Allele origin: germline.

Genome-Nilou Lab
Classification: Likely benign for Retinitis pigmentosa 39. Last evaluated: 2023-11-04. Review status: criteria provided, single submitter. Criteria: ACMG Guidelines, 2015. Collection method: clinical testing. Allele origin: germline. Affected: no.

Genome-Nilou Lab
Classification: Likely benign for Usher syndrome type 2A. Last evaluated: 2023-11-04. Review status: criteria provided, single submitter. Criteria: ACMG Guidelines, 2015. Collection method: clinical testing. Allele origin: germline. Affected: no.

Blueprint Genetics
Classification: Likely benign. Last evaluated: 2023-10-23. Review status: criteria provided, single submitter. Criteria: ACMG Guidelines, 2015. Collection method: clinical testing. Allele origin: germline.

Laboratory for Molecular Medicine, Mass General Brigham Personalized Medicine
Classification: Likely benign. Last evaluated: 2012-04-11. Review status: criteria provided, single submitter. Criteria: LMM Criteria. Collection method: clinical testing. Allele origin: germline. Observed: 1 variant allele.
Comment: Ser4939Ser in exon 68 of USH2A: This variant is not expected to have clinical si gnificance because it does not alter an amino acid residue and is not located wi thin the splice consensus sequence.

Counsyl
Classification: Likely benign for Usher syndrome type 2A; Retinitis pigmentosa 39. Last evaluated: 2017-03-16. Review status: no assertion criteria provided. Collection method: clinical testing. Allele origin: unknown. Not counted in ClinVar's aggregate classification.

Institute of Human Genetics, Univ. Regensburg, Univ. Regensburg
Classification: Likely benign for Retinal dystrophy. Last evaluated: 2013-01-01. Review status: no assertion criteria provided. Criteria: ACMG Guidelines, 2015. Collection method: clinical testing. Allele origin: germline. Affected: yes. Not counted in ClinVar's aggregate classification.

NM_206933.4(USH2A):c.14817G>A (p.Ser4939=)

Gene: USH2A (usherin; minus strand). Cytogenetic location: 1q41.
Variant type: single nucleotide variant.
Coding change: c.14817G>A on transcript NM_206933.4 (MANE Select); coding-DNA position 14817, G replaced by A.
Protein change: p.Ser4939=; no amino-acid change (serine 4939 retained).
Molecular consequence: synonymous variant.
Genome position (GRCh38, 1-based): chr1:215,640,709, C>T on the plus strand (G>A on the coding strand, the complement: USH2A is on the minus strand). VCF-style: chr1-215640709-C-T. GRCh37 (hg19) VCF-style: chr1-215814051-C-T.
Identifiers: ClinVar variation 48446 (VCV000048446.14), dbSNP rs397517992, ClinGen allele CA143368.